The following is an entry in ClinVar:

NM_002439.5(MSH3):c.2186A>G (p.His729Arg)

Gene: MSH3 (mutS homolog 3; plus strand). Cytogenetic location: 5q14.1.
Variant type: single nucleotide variant.
Coding change: c.2186A>G on transcript NM_002439.5 (MANE Select); coding-DNA position 2186, A replaced by G.
Protein change: p.His729Arg; replaces histidine 729 with arginine.
Molecular consequence: missense variant.
Genome position (GRCh38, 1-based): chr5:80,768,936, A>G. VCF-style: chr5-80768936-A-G. GRCh37 (hg19) VCF-style: chr5-80064755-A-G.
Other names: c.2186A>G (NM_002439.3); short protein forms H729R.
Identifiers: ClinVar variation 939955 (VCV000939955.10), dbSNP rs1744170415, ClinGen allele CA360279555.
Genomic context (GRCh38, chr5:80,768,936, plus strand): 5'-TCCCTTTAATAAAAAAGAGGAAGGATGAAATTCAAGGTGTTATTGACGAGATCCGAATGC[A>G]TTTGCAAGAAATACGAAAAATACTAAAAAATCCTTCTGCACAATATGTGACAGTATCAGG-3'
Protein context (NP_002430.3, residues 719-739): IQGVIDEIRM[His729Arg]LQEIRKILKN

ClinVar aggregate classification (germline): Uncertain significance. Review status: criteria provided, multiple submitters, no conflicts (2 of 4 stars). 2 submissions from 2 submitters: Uncertain significance (2). Last evaluated 2024-09-01.

Conditions:
Hereditary cancer-predisposing syndrome. Also called: Hereditary neoplastic syndrome; Neoplastic Syndromes, Hereditary; Tumor predisposition; Hereditary Cancer Syndrome. Identifiers: Orphanet 140162, MedGen C0027672, MeSH D009386, MONDO:0015356.

Submissions (2):

Ambry Genetics
Classification: Uncertain significance for Hereditary cancer-predisposing syndrome. Last evaluated: 2024-09-01. Review status: criteria provided, single submitter. Criteria: Ambry Variant Classification Scheme 2023. Collection method: clinical testing. Allele origin: germline.
Comment: The p.H729R variant (also known as c.2186A>G), located in coding exon 15 of the MSH3 gene, results from an A to G substitution at nucleotide position 2186. The histidine at codon 729 is replaced by arginine, an amino acid with highly similar properties. This amino acid position is conserved. In addition, the in silico prediction for this alteration is inconclusive. Based on the available evidence, the clinical significance of this variant remains unclear.

Labcorp Genetics (formerly Invitae), Labcorp
Classification: Uncertain significance. Last evaluated: 2024-05-20. Review status: criteria provided, single submitter. Criteria: Invitae Variant Classification Sherloc (09022015). Collection method: clinical testing. Allele origin: germline.
Comment: This sequence change replaces histidine, which is basic and polar, with arginine, which is basic and polar, at codon 729 of the MSH3 protein (p.His729Arg). This variant is not present in population databases (gnomAD no frequency). This variant has not been reported in the literature in individuals affected with MSH3-related conditions. ClinVar contains an entry for this variant (Variation ID: 939955). An algorithm developed to predict the effect of missense changes on protein structure and function (PolyPhen-2) suggests that this variant is likely to be disruptive. In summary, the available evidence is currently insufficient to determine the role of this variant in disease. Therefore, it has been classified as a Variant of Uncertain Significance.